The following is an entry in ClinVar:

NM_173477.5(USH1G):c.275G>A (p.Trp92Ter)

Gene: USH1G (USH1 protein network component sans; minus strand). Cytogenetic location: 17q25.1.
Variant type: single nucleotide variant.
Coding change: c.275G>A on transcript NM_173477.5 (MANE Select); coding-DNA position 275, G replaced by A.
Protein change: p.Trp92Ter; replaces tryptophan 92 with a stop codon.
Molecular consequence: nonsense. On other transcripts: 5 prime UTR variant (1).
Genome position (GRCh38, 1-based): chr17:74,920,561, C>T on the plus strand (G>A on the coding strand, the complement: USH1G is on the minus strand). VCF-style: chr17-74920561-C-T. GRCh37 (hg19) VCF-style: chr17-72916656-C-T.
Other names: c.-35G>A (NM_001282489.3); short protein forms W92*.
Identifiers: ClinVar variation 2741442 (VCV002741442.4), dbSNP rs2544431739, ClinGen allele CA400966237.
Genomic context (GRCh38, chr17:74,920,561, plus strand): 5'-TCCATGTGGCCCTTCATGGCAGCCATGTCCAGCGGCGTGTGGTAGTCGTTGTCTAGGCAC[C>T]AGATGTTGGCTCCGAAGGACACCAGGAAGGACAGGCAGTGCAAGTGGCCATTGGAAGCTG-3'

ClinVar aggregate classification (germline): Pathogenic. Review status: criteria provided, multiple submitters, no conflicts (2 of 4 stars). 2 submissions from 2 submitters: Pathogenic (2). Last evaluated 2024-04-02.

Conditions:
Usher syndrome type 1G. Also called: USHER SYNDROME, TYPE IG, MILD. Identifiers: Orphanet 231169, Orphanet 886, MedGen C1847089, MONDO:0011748, OMIM 606943.

Submissions (2):

Fulgent Genetics
Classification: Pathogenic for Usher syndrome type 1G. Last evaluated: 2024-04-02. Review status: criteria provided, single submitter. Criteria: ACMG Guidelines, 2015. Collection method: clinical testing. Allele origin: germline.

Labcorp Genetics (formerly Invitae), Labcorp
Classification: Pathogenic. Last evaluated: 2023-11-06. Review status: criteria provided, single submitter. Criteria: Invitae Variant Classification Sherloc (09022015). Collection method: clinical testing. Allele origin: germline.
Comment: This sequence change creates a premature translational stop signal (p.Trp92*) in the USH1G gene. It is expected to result in an absent or disrupted protein product. Loss-of-function variants in USH1G are known to be pathogenic (PMID: 12588794, 22219650). This variant is not present in population databases (gnomAD no frequency). This variant has not been reported in the literature in individuals affected with USH1G-related conditions. For these reasons, this variant has been classified as Pathogenic.

Literature cited by the submitters: PubMed 12588794 (cited by Labcorp Genetics (formerly Invitae), Labcorp); PubMed 22219650 (cited by Labcorp Genetics (formerly Invitae), Labcorp).